The following is an entry in ClinVar:

NM_024675.4(PALB2):c.2707G>A (p.Ala903Thr)

Gene: PALB2 (partner and localizer of BRCA2; minus strand). Cytogenetic location: 16p12.2.
Variant type: single nucleotide variant.
Coding change: c.2707G>A on transcript NM_024675.4 (MANE Select); coding-DNA position 2707, G replaced by A.
Protein change: p.Ala903Thr; replaces alanine 903 with threonine.
Molecular consequence: missense variant.
Genome position (GRCh38, 1-based): chr16:23,626,277, C>T on the plus strand (G>A on the coding strand, the complement: PALB2 is on the minus strand). VCF-style: chr16-23626277-C-T. GRCh37 (hg19) VCF-style: chr16-23637598-C-T.
Other names: short protein forms A903T.
Identifiers: ClinVar variation 1036981 (VCV001036981.12), dbSNP rs1324636666, ClinGen allele CA395121924.

ClinVar aggregate classification (germline): Conflicting classifications of pathogenicity. Review status: criteria provided, conflicting classifications (1 of 4 stars). 2 submissions from 2 submitters: Uncertain significance (1); Likely benign (1). Last evaluated 2022-09-22.

Conditions:
Hereditary cancer-predisposing syndrome. Also called: Neoplastic Syndromes, Hereditary; Hereditary Cancer Syndrome; Tumor predisposition; Hereditary neoplastic syndrome. Identifiers: Orphanet 140162, MedGen C0027672, MeSH D009386, MONDO:0015356.
Familial cancer of breast. Also called: hereditary breast carcinoma; Hereditary breast cancer; BREAST CANCER, FAMILIAL. Identifiers: Orphanet 227535, MedGen C0346153, MONDO:0016419, OMIM 114480. Disease mechanism: loss of function.

Allele frequency attached by ClinVar (database versions not stated): gnomAD exomes 0.00001.
gnomAD v4.1: 2 of 1,614,180 alleles (0.00012%); highest among the groups gnomAD compares: South Asian, 0.0022%; no homozygotes.

Submissions (2):

Labcorp Genetics (formerly Invitae), Labcorp
Classification: Uncertain significance for Familial cancer of breast. Last evaluated: 2022-09-22. Review status: criteria provided, single submitter. Criteria: Invitae Variant Classification Sherloc (09022015). Collection method: clinical testing. Allele origin: germline.
Comment: In summary, the available evidence is currently insufficient to determine the role of this variant in disease. Therefore, it has been classified as a Variant of Uncertain Significance. Advanced modeling of protein sequence and biophysical properties (such as structural, functional, and spatial information, amino acid conservation, physicochemical variation, residue mobility, and thermodynamic stability) performed at Invitae indicates that this missense variant is not expected to disrupt PALB2 protein function. This sequence change replaces alanine, which is neutral and non-polar, with threonine, which is neutral and polar, at codon 903 of the PALB2 protein (p.Ala903Thr). This variant is present in population databases (no rsID available, gnomAD 0.006%). This variant has not been reported in the literature in individuals affected with PALB2-related conditions. ClinVar contains an entry for this variant (Variation ID: 1036981).

Ambry Genetics
Classification: Likely benign for Hereditary cancer-predisposing syndrome. Last evaluated: 2020-08-05. Review status: criteria provided, single submitter. Criteria: Ambry Variant Classification Scheme 2023. Collection method: clinical testing. Allele origin: germline.